The following is an entry in ClinVar:

NM_003185.4(TAF4):c.751G>A (p.Ala251Thr)

Gene: TAF4 (TATA-box binding protein associated factor 4; minus strand). Cytogenetic location: 20q13.33.
Variant type: single nucleotide variant.
Coding change: c.751G>A on transcript NM_003185.4 (MANE Select); coding-DNA position 751, G replaced by A.
Protein change: p.Ala251Thr; replaces alanine 251 with threonine.
Molecular consequence: missense variant.
Genome position (GRCh38, 1-based): chr20:62,065,060, C>T on the plus strand (G>A on the coding strand, the complement: TAF4 is on the minus strand). VCF-style: chr20-62065060-C-T. GRCh37 (hg19) VCF-style: chr20-60640116-C-T.
Other names: c.751G>A (NM_003185.3); short protein forms A251T.
Identifiers: ClinVar variation 3069004 (VCV003069004.3), dbSNP rs888519412, ClinGen allele CA317215096.

ClinVar aggregate classification (germline): Uncertain significance. Review status: criteria provided, multiple submitters, no conflicts (2 of 4 stars). 2 submissions from 2 submitters: Uncertain significance (2). Last evaluated 2024-02-28.

Conditions:
Inborn genetic diseases. Identifiers: MedGen C0950123, MeSH D030342.

Allele frequency attached by ClinVar (database versions not stated): gnomAD 0.00006.

Submissions (2):

Women's Health and Genetics/Laboratory Corporation of America, LabCorp
Classification: Uncertain significance. Last evaluated: 2024-02-28. Review status: criteria provided, single submitter. Criteria: LabCorp Variant Classification Summary - May 2015. Collection method: clinical testing. Allele origin: germline.
Comment: Variant summary: TAF4 c.751G>A (p.Ala251Thr) results in a non-conservative amino acid change in the encoded protein sequence. Four of five in-silico tools predict a benign effect of the variant on protein function. The frequency data for this region in gnomAD is considered unreliable, as metrics indicate poor data quality at this position. To our knowledge, no occurrence of c.751G>A in individuals affected with Intellectual Developmental Disorder, Autosomal Dominant 73 and no experimental evidence demonstrating its impact on protein function have been reported. No submitters have cited clinical-significance assessments for this variant to ClinVar. Based on the evidence outlined above, the variant was classified as uncertain significance.

Ambry Genetics
Classification: Uncertain significance for Inborn genetic diseases. Last evaluated: 2023-12-09. Review status: criteria provided, single submitter. Criteria: Ambry Variant Classification Scheme 2023. Collection method: clinical testing. Allele origin: germline.